The following is an entry in ClinVar:

NM_003001.5(SDHC):c.448C>A (p.Gln150Lys)

Gene: SDHC (succinate dehydrogenase complex subunit C; plus strand). Cytogenetic location: 1q23.3.
Variant type: single nucleotide variant.
Coding change: c.448C>A on transcript NM_003001.5 (MANE Select); coding-DNA position 448, C replaced by A.
Protein change: p.Gln150Lys; replaces glutamine 150 with lysine.
Molecular consequence: missense variant.
Genome position (GRCh38, 1-based): chr1:161,362,371, C>A. VCF-style: chr1-161362371-C-A. GRCh37 (hg19) VCF-style: chr1-161332161-C-A.
Other names: c.284C>A, p.Pro95Gln (NM_001035511.3); c.346C>A, p.Gln116Lys (NM_001035512.3); c.289C>A, p.Gln97Lys (NM_001035513.3); c.182C>A, p.Pro61Gln (NM_001278172.3); c.568C>A, p.Gln190Lys (NM_001407115.1); c.391C>A, p.Gln131Lys (NM_001407116.1); c.385C>A, p.Gln129Lys (NM_001407117.1); c.340C>A, p.Gln114Lys (NM_001407118.1); and 2 more; short protein forms P95Q, P61Q, Q150K, Q97K, Q116K, Q114K, Q131K, Q190K.
Identifiers: ClinVar variation 1375569 (VCV001375569.12), dbSNP rs773142195, ClinGen allele CA047450.

ClinVar aggregate classification (germline): Uncertain significance. Review status: criteria provided, multiple submitters, no conflicts (2 of 4 stars). 3 submissions from 3 submitters: Uncertain significance (3). Last evaluated 2026-08-21.

Conditions:
Hereditary cancer-predisposing syndrome. Also called: Hereditary Cancer Syndrome; Neoplastic Syndromes, Hereditary; Hereditary neoplastic syndrome; Tumor predisposition. Identifiers: Orphanet 140162, MedGen C0027672, MeSH D009386, MONDO:0015356.
Gastrointestinal stromal tumor. Also called: Gastrointestinal stromal tumor, somatic; Gastrointestinal stroma tumor. Identifiers: Orphanet 44890, MedGen C0238198, MeSH D046152, MONDO:0011719, OMIM 606764, HP:0100723.
Pheochromocytoma/paraganglioma syndrome 3. Also called: Paragangliomas 3; SDHC-Related Hereditary Paraganglioma-Pheochromocytoma Syndrome (Paragangliomas 3); SDHC-Related Hereditary Paraganglioma-Pheochromocytoma Syndrome; GLOMUS TUMORS, FAMILIAL, 3. Identifiers: Orphanet 29072, MedGen C1854336, MONDO:0011544, OMIM 605373.
Hereditary pheochromocytoma and paraganglioma. Also called: Hereditary pheochromocytoma-paraganglioma; Hereditary Paraganglioma-Pheochromocytoma Syndromes; Hereditary paragangliomas and pheochromocytomas. Identifiers: Orphanet 29072, MedGen C4274332, MONDO:0017366.

Allele frequency attached by ClinVar (database versions not stated): TOPMed below 0.00001; ExAC 0.00001; gnomAD exomes below 0.00001.

Submissions (3):

Ambry Genetics
Classification: Uncertain significance for Hereditary cancer-predisposing syndrome. Last evaluated: 2026-08-21. Review status: criteria provided, single submitter. Criteria: Ambry Variant Classification Scheme 2023. Collection method: clinical testing. Allele origin: germline.
Comment: The p.Q150K variant (also known as c.448C>A), located in coding exon 6 of the SDHC gene, results from a C to A substitution at nucleotide position 448. The glutamine at codon 150 is replaced by lysine, an amino acid with similar properties. This amino acid position is well conserved in available vertebrate species. In addition, this alteration is predicted to be deleterious by in silico analysis. Based on the available evidence, the clinical significance of this variant remains unclear.

Labcorp Genetics (formerly Invitae), Labcorp
Classification: Uncertain significance for Pheochromocytoma/paraganglioma syndrome 3; Gastrointestinal stromal tumor. Last evaluated: 2025-04-22. Review status: criteria provided, single submitter. Criteria: Invitae Variant Classification Sherloc (09022015). Collection method: clinical testing. Allele origin: germline.
Comment: This sequence change replaces glutamine, which is neutral and polar, with lysine, which is basic and polar, at codon 150 of the SDHC protein (p.Gln150Lys). This variant is present in population databases (rs773142195, gnomAD 0.006%). This variant has not been reported in the literature in individuals affected with SDHC-related conditions. ClinVar contains an entry for this variant (Variation ID: 1375569). An algorithm developed to predict the effect of missense changes on protein structure and function (PolyPhen-2) suggests that this variant is likely to be tolerated. In summary, the available evidence is currently insufficient to determine the role of this variant in disease. Therefore, it has been classified as a Variant of Uncertain Significance.

All of Us Research Program, National Institutes of Health
Classification: Uncertain significance for Hereditary pheochromocytoma and paraganglioma. Last evaluated: 2023-05-16. Review status: criteria provided, single submitter. Criteria: ACMG Guidelines, 2015. Collection method: clinical testing. Allele origin: germline. Inheritance: Autosomal dominant inheritance. Observed: 1 variant allele, 1 heterozygote.
Comment: This missense variant replaces glutamine with lysine at codon 150 of the SDHC protein. Computational prediction suggests that this variant may not impact protein structure and function (internally defined REVEL score threshold <= 0.5, PMID: 27666373). To our knowledge, functional studies have not been reported for this variant. This variant has not been reported in individuals affected with SDHC-related disorders in the literature. This variant has been identified in 1/248560 chromosomes in the general population by the Genome Aggregation Database (gnomAD). The available evidence is insufficient to determine the role of this variant in disease conclusively. Therefore, this variant is classified as a Variant of Uncertain Significance.

This study involves interpretation of variants in research participants for the purpose of population health screening. Participant phenotype was not available at the time of variant classification. Additional details can be found in publication PMID: 35346344, PMCID: PMC8962531